The following is an entry in ClinVar:

NM_001082971.2(DDC):c.428T>C (p.Val143Ala)

Genes: DDC (dopa decarboxylase; minus strand), DDC-AS1 (DDC antisense RNA 1; plus strand). Cytogenetic location: 7p12.1.
Variant type: single nucleotide variant.
Coding change: c.428T>C on transcript NM_001082971.2 (MANE Select); coding-DNA position 428, T replaced by C.
Protein change: p.Val143Ala; replaces valine 143 with alanine.
Molecular consequence: missense variant. On other transcripts: intron variant (1).
Genome position (GRCh38, 1-based): chr7:50,537,867, A>G on the plus strand (T>C on the coding strand, the complement: DDC is on the minus strand). VCF-style: chr7-50537867-A-G. GRCh37 (hg19) VCF-style: chr7-50605565-A-G.
Other names: c.428T>C, p.Val143Ala (NM_000790.4, NM_001242887.2, NM_001242889.2 and 1 more transcripts); c.314T>C, p.Val105Ala (NM_001242886.2); c.201+6018T>C (NM_001242888.2); short protein forms V105A, V143A.
Identifiers: ClinVar variation 2090469 (VCV002090469.4), dbSNP rs2535471995, ClinGen allele CA367527728.
Genomic context (GRCh38, chr7:50,537,867, plus strand): 5'-TCCTGTGCAGAGCCCATGCATCCCAAAAGTGGCCCTCACAGCTCCCACCTTACCTGGATC[A>G]CTCCTCCCCCTTCTCCAGCTTTCTCATTCAAAAATGCCTTTGGTAGTTCCAGCATCTTCC-3'
Protein context (NP_001076440.2, residues 133-153): LNEKAGEGGG[Val143Ala]IQGSASEATL

ClinVar aggregate classification (germline): Uncertain significance (1 of 4 stars; one submission).

Conditions:
Deficiency of aromatic-L-amino-acid decarboxylase. Also called: Aromatic amino acid decarboxylase deficiency; Aromatic L-Amino Acid Decarboxylase Deficiency; AADC DEFICIENCY; DDC DEFICIENCY; DOPA DECARBOXYLASE DEFICIENCY. Identifiers: Orphanet 35708, MedGen C1291564, MONDO:0012084, OMIM 608643.

Submission:

Labcorp Genetics (formerly Invitae), Labcorp
Classification: Uncertain significance for Deficiency of aromatic-L-amino-acid decarboxylase. Last evaluated: 2024-06-03. Review status: criteria provided, single submitter. Criteria: Invitae Variant Classification Sherloc (09022015). Collection method: clinical testing. Allele origin: germline.
Comment: This sequence change replaces valine, which is neutral and non-polar, with alanine, which is neutral and non-polar, at codon 143 of the DDC protein (p.Val143Ala). This variant is not present in population databases (gnomAD no frequency). This variant has not been reported in the literature in individuals affected with DDC-related conditions. ClinVar contains an entry for this variant (Variation ID: 2090469). Advanced modeling of protein sequence and biophysical properties (such as structural, functional, and spatial information, amino acid conservation, physicochemical variation, residue mobility, and thermodynamic stability) has been performed at Invitae for this missense variant, however the output from this modeling did not meet the statistical confidence thresholds required to predict the impact of this variant on DDC protein function. In summary, the available evidence is currently insufficient to determine the role of this variant in disease. Therefore, it has been classified as a Variant of Uncertain Significance.